The following is an entry in ClinVar:

ClinVar aggregate classification (germline): Conflicting classifications of pathogenicity. Review status: criteria provided, conflicting classifications (1 of 4 stars). 6 submissions from 5 submitters: Uncertain significance (4); Benign (1). 1 of the submissions does not count toward it. Last evaluated 2024-05-23.

Conditions:
NOTCH1-related disorder. Also called: NOTCH1-related condition; NOTCH1-related disorders.
Adams-Oliver syndrome 5 (AOS5). Identifiers: Orphanet 974, MedGen C4014970, MONDO:0014459, OMIM 616028.
Familial thoracic aortic aneurysm and aortic dissection (TAAD). Also called: Thoracic aortic aneurysms and dissections. Identifiers: Orphanet 91387, MedGen C4707243, MONDO:0019625.
Aortic valve disease 1 (AOVD1). Identifiers: MedGen C3887892, MONDO:0024523, OMIM 109730.

Allele frequency attached by ClinVar (database versions not stated): ExAC 0.00002; gnomAD 0.00001; gnomAD exomes 0.00002; TOPMed 0.00001.
gnomAD v4.1: 19 of 1,600,070 alleles (0.0012%); highest among the groups gnomAD compares: Admixed American, 0.0083%; no homozygotes.

Submissions (6):

Labcorp Genetics (formerly Invitae), Labcorp
Classification: Benign for Adams-Oliver syndrome 5. Last evaluated: 2024-05-23. Review status: criteria provided, single submitter. Criteria: Invitae Variant Classification Sherloc (09022015). Collection method: clinical testing. Allele origin: germline.

Ambry Genetics
Classification: Uncertain significance for Familial thoracic aortic aneurysm and aortic dissection. Last evaluated: 2024-04-08. Review status: criteria provided, single submitter. Criteria: Ambry Variant Classification Scheme 2023. Collection method: clinical testing. Allele origin: germline.
Comment: The p.R2431W variant (also known as c.7291C>T), located in coding exon 34 of the NOTCH1 gene, results from a C to T substitution at nucleotide position 7291. The arginine at codon 2431 is replaced by tryptophan, an amino acid with dissimilar properties. This amino acid position is not well conserved in available vertebrate species. In addition, the in silico prediction for this alteration is inconclusive. Since supporting evidence is limited at this time, the clinical significance of this alteration remains unclear.

GeneDx
Classification: Uncertain significance. Last evaluated: 2023-02-10. Review status: criteria provided, single submitter. Criteria: GeneDx Variant Classification Process June 2021. Collection method: clinical testing. Allele origin: germline. Affected: yes.
Comment: Has not been previously published as pathogenic or benign to our knowledge; Not observed at significant frequency in large population cohorts (gnomAD); In silico analysis supports that this missense variant does not alter protein structure/function

Genome-Nilou Lab
Classification: Uncertain significance for Adams-Oliver syndrome 5. Last evaluated: 2022-03-15. Review status: criteria provided, single submitter. Criteria: ACMG Guidelines, 2015. Collection method: clinical testing. Allele origin: germline. Affected: no.

Genome-Nilou Lab
Classification: Uncertain significance for Aortic valve disease 1. Last evaluated: 2022-03-15. Review status: criteria provided, single submitter. Criteria: ACMG Guidelines, 2015. Collection method: clinical testing. Allele origin: germline. Affected: no.

PreventionGenetics, part of Exact Sciences
Classification: Uncertain significance for NOTCH1-related condition. Last evaluated: 2024-08-19. Review status: no assertion criteria provided. Collection method: clinical testing. Allele origin: germline. Not counted in ClinVar's aggregate classification.
Comment: The NOTCH1 c.7291C>T variant is predicted to result in the amino acid substitution p.Arg2431Trp. To our knowledge, this variant has not been reported in the literature. This variant is reported in 0.0058% of alleles in individuals of Latino descent in gnomAD. At this time, the clinical significance of this variant is uncertain due to the absence of conclusive functional and genetic evidence.

NM_017617.5(NOTCH1):c.7291C>T (p.Arg2431Trp)

Gene: NOTCH1 (notch receptor 1; minus strand). Cytogenetic location: 9q34.3.
Variant type: single nucleotide variant.
Coding change: c.7291C>T on transcript NM_017617.5 (MANE Select); coding-DNA position 7291, C replaced by T.
Protein change: p.Arg2431Trp; replaces arginine 2431 with tryptophan.
Molecular consequence: missense variant.
Genome position (GRCh38, 1-based): chr9:136,496,448, G>A on the plus strand (C>T on the coding strand, the complement: NOTCH1 is on the minus strand). VCF-style: chr9-136496448-G-A. GRCh37 (hg19) VCF-style: chr9-139390900-G-A.
Other names: c.7291C>T, p.Arg2431Trp (LRG_1122t1); c.7291C>T (NM_017617.4); short protein forms R2431W.
Identifiers: ClinVar variation 263974 (VCV000263974.17), dbSNP rs758410389, ClinGen allele CA5339705.